The following is an entry in ClinVar:

NM_006852.6(TLK2):c.2119C>T (p.Arg707Cys)

Gene: TLK2 (tousled like kinase 2; plus strand). Cytogenetic location: 17q23.2.
Variant type: single nucleotide variant.
Coding change: c.2119C>T on transcript NM_006852.6 (MANE Select); coding-DNA position 2119, C replaced by T.
Protein change: p.Arg707Cys; replaces arginine 707 with cysteine.
Molecular consequence: missense variant.
Genome position (GRCh38, 1-based): chr17:62,612,431, C>T. VCF-style: chr17-62612431-C-T. GRCh37 (hg19) VCF-style: chr17-60689792-C-T.
Other names: c.2185C>T, p.Arg729Cys (NM_001284333.3); c.2023C>T, p.Arg675Cys (NM_001284363.1, NM_001375272.1); c.1672C>T, p.Arg558Cys (NM_001330418.3, NM_001375273.1); c.2161C>T, p.Arg721Cys (NM_001375269.1); c.2119C>T, p.Arg707Cys (NM_001375270.1, NM_001375271.1); c.1834C>T, p.Arg612Cys (NM_001411074.1); short protein forms R558C, R612C, R675C, R707C, R721C, R729C.
Identifiers: ClinVar variation 3061874 (VCV003061874.1), dbSNP rs2546105613, ClinGen allele CA400516205.

ClinVar aggregate classification (germline): Uncertain significance (1 of 4 stars; one submission).

Conditions:
Intellectual developmental disorder, autosomal dominant 57. Also called: MENTAL RETARDATION, AUTOSOMAL DOMINANT 57; Intellectual disability, autosomal dominant 57. Identifiers: MedGen C4748003, MONDO:0054837, OMIM 618050.

Allele frequency attached by ClinVar (database versions not stated): gnomAD exomes below 0.00001.
gnomAD v4.1: 1 of 1,614,128 alleles (0.000062%); highest among the groups gnomAD compares: Non-Finnish European, 0.000085%; no homozygotes.

Submission:

MVZ Medizinische Genetik Mainz
Classification: Uncertain significance for Intellectual developmental disorder, autosomal dominant 57. Last evaluated: 2023-08-15. Review status: criteria provided, single submitter. Criteria: UK Practice Guidelines For Variant Classification V4 01 2020. Collection method: clinical testing. Allele origin: germline. Inheritance: Autosomal dominant inheritance. Affected: yes. Observed: 1 variant allele.
Comment: PM2_SUP,PP2,PP3